The following is an entry in ClinVar:

ClinVar aggregate classification (germline): Uncertain significance (1 of 4 stars; one submission).

Conditions:
Left ventricular noncompaction 8 (LVNC8). Identifiers: Orphanet 154, Orphanet 54260, MedGen C3809288, MONDO:0014152, OMIM 615373.

Submission:

Labcorp Genetics (formerly Invitae), Labcorp
Classification: Uncertain significance for Left ventricular noncompaction 8. Last evaluated: 2024-12-17. Review status: criteria provided, single submitter. Criteria: Invitae Variant Classification Sherloc (09022015). Collection method: clinical testing. Allele origin: germline.
Comment: This variant, c.1729_1731del, results in the deletion of 1 amino acid(s) of the PRDM16 protein (p.Glu577del), but otherwise preserves the integrity of the reading frame. This variant is present in population databases (rs779522289, gnomAD 0.009%). This variant has not been reported in the literature in individuals affected with PRDM16-related conditions. Experimental studies and prediction algorithms are not available or were not evaluated, and the functional significance of this variant is currently unknown. In summary, the available evidence is currently insufficient to determine the role of this variant in disease. Therefore, it has been classified as a Variant of Uncertain Significance.

NM_022114.4(PRDM16):c.1726GAG[1] (p.Glu577del)

Gene: PRDM16 (PR/SET domain 16; plus strand). Cytogenetic location: 1p36.32.
Variant type: Microsatellite.
Coding change: c.1726GAG[1] on transcript NM_022114.4 (MANE Select); one copy of the 3-base unit GAG starting at c.1726; the reference has two copies in a row; one copy, 3 bases deleted.
Protein change: p.Glu577del; deletes glutamic acid 577.
Molecular consequence: inframe deletion.
Genome position (GRCh38, 1-based): chr1:3,411,926-3,411,928, GAG deleted; deleting any 3 consecutive bases within chr1:3,411,923-3,411,928 gives the same sequence; the position shown is the placement nearest the transcript's 3' end. VCF-style (leftmost placement, unchanged base first): chr1-3411922-CGAG-C. GRCh37 (hg19) VCF-style: chr1-3328486-CGAG-C.
Other names: c.1726GAG[1], p.Glu577del (NM_199454.3); short protein forms E577del.
Identifiers: ClinVar variation 1516145 (VCV001516145.7), dbSNP rs779522289, ClinGen allele CA544266.